The following is an entry in ClinVar:

NM_015340.4(LARS2):c.1886C>T (p.Thr629Met)

Gene: LARS2 (leucyl-tRNA synthetase 2, mitochondrial; plus strand). Cytogenetic location: 3p21.31.
Variant type: single nucleotide variant.
Coding change: c.1886C>T on transcript NM_015340.4 (MANE Select); coding-DNA position 1886, C replaced by T.
Protein change: p.Thr629Met; replaces threonine 629 with methionine.
Molecular consequence: missense variant.
Genome position (GRCh38, 1-based): chr3:45,516,118, C>T. VCF-style: chr3-45516118-C-T. GRCh37 (hg19) VCF-style: chr3-45557610-C-T.
Other names: c.1886C>T, p.Thr629Met (NM_001368263.1); short protein forms T629M.
Identifiers: ClinVar variation 55872 (VCV000055872.6), dbSNP rs398123036, ClinGen allele CA143980.
Genomic context (GRCh38, chr3:45,516,118, plus strand): 5'-ACACATACCATACCTATGGATTATTTTGGCATCTAGGTTCCGTTCCTGTTCATGCAAAAA[C>T]GAAAGAGAAGTTAGAGGTGACGTGGGAGAAGATGAGTAAGTCCAAACACAACGGGGTGGA-3'
Protein context (NP_056155.1, residues 619-639): LTGSVPVHAK[Thr629Met]KEKLEVTWEK

ClinVar aggregate classification (germline): Pathogenic/Likely pathogenic. Review status: criteria provided, multiple submitters, no conflicts (2 of 4 stars). 4 submissions from 4 submitters: Pathogenic (1); Likely pathogenic (1). 2 of the submissions do not count toward it. Last evaluated 2025-01-09.

Conditions:
Perrault syndrome 4 (PRLTS4). Identifiers: Orphanet 2855, MedGen C3809105, MONDO:0014126, OMIM 615300.
Perrault syndrome. Also called: Gonadal dysgenesis with auditory dysfunction, autosomal recessive inheritance. Identifiers: Orphanet 2855, MedGen C0685838, MONDO:0017312.
Nonsyndromic genetic hearing loss. Also called: Nonsyndromic genetic deafness; Nonsyndromic hearing loss and deafness; Non-syndromic genetic deafness. Identifiers: Orphanet 87884, MedGen C5680182, MONDO:0019497.

Allele frequency attached by ClinVar (database versions not stated): TOPMed 0.00002; gnomAD exomes 0.00003 and 0.00006; ExAC 0.00008; 1000 Genomes Project 30x 0.00016; 1000 Genomes Project 0.00020; gnomAD 0.00001 and 0.00002.
gnomAD v4.1: 41 of 1,614,012 alleles (0.0025%); highest among the groups gnomAD compares: Admixed American, 0.012%; no homozygotes.

Submissions (4):

GeneDx
Classification: Likely pathogenic. Last evaluated: 2025-01-09. Review status: criteria provided, single submitter. Criteria: GeneDx Variant Classification Process June 2021. Collection method: clinical testing. Allele origin: germline. Affected: yes.
Comment: Not observed at significant frequency in large population cohorts (gnomAD); In silico analysis supports that this missense variant has a deleterious effect on protein structure/function; This variant is associated with the following publications: (PMID: 25254289, 39052101, 27650058, 35982127, 23541342, 34997062)

INGEBI, INGEBI / CONICET
Classification: Pathogenic for Nonsyndromic genetic hearing loss. Last evaluated: 2021-07-15. Review status: criteria provided, single submitter. Criteria: ClinGen HL ACMG Specifications v1. Collection method: clinical testing. Allele origin: germline. Inheritance: Autosomal recessive inheritance. Affected: yes. Observed: 2 variant alleles, 2 compound heterozygotes.
Comment: Based on ACMG/AMP guidelines and Hearing Loss Expert Panel specific criteria: The filtering allele frequency of the T629M in the LARS2 gene is 0.005% ( 5/35406 with 95% CI) in latino population in gnomAD database meeting PM2. This variant has been found at least in two patients in trans with pathogenic variants and seggregated in two siblings (PM3_Strong, PP1, PP4; PMID: 23541342 and internal data). Functional studies in yeast are not conclusive evidence of mutation pathogenicity so this information is not counted. PM2, PM3_Strong, PP1_Sup, PP4: T629M is classified as Likely Pathogenic.

OMIM
Classification: Pathogenic for PERRAULT SYNDROME 4. Last evaluated: 2013-04-04. Review status: no assertion criteria provided. Collection method: literature only. Allele origin: germline. Not counted in ClinVar's aggregate classification.

GeneReviews
No classification provided. Condition: Perrault syndrome. Review status: no classification provided. Collection method: literature only. Allele origin: germline. Not counted in ClinVar's aggregate classification.

Literature cited by the submitters: PubMed 23541342 (cited by 3 submitters).